The following is an entry in ClinVar:

NM_201384.3(PLEC):c.2416C>T (p.Arg806Cys)

Gene: PLEC (plectin; minus strand). Cytogenetic location: 8q24.3.
Variant type: single nucleotide variant.
Coding change: c.2416C>T on transcript NM_201384.3 (MANE Select); coding-DNA position 2416, C replaced by T.
Protein change: p.Arg806Cys; replaces arginine 806 with cysteine.
Molecular consequence: missense variant.
Genome position (GRCh38, 1-based): chr8:143,930,425, G>A on the plus strand (C>T on the coding strand, the complement: PLEC is on the minus strand). VCF-style: chr8-143930425-G-A. GRCh37 (hg19) VCF-style: chr8-145004593-G-A.
Other names: c.2497C>T, p.Arg833Cys (NM_000445.5); c.2374C>T, p.Arg792Cys (NM_201378.4); c.2350C>T, p.Arg784Cys (NM_201379.3); c.2827C>T, p.Arg943Cys (NM_201380.4); c.2320C>T, p.Arg774Cys (NM_201381.3); c.2416C>T, p.Arg806Cys (NM_201382.4); c.2428C>T, p.Arg810Cys (NM_201383.3); short protein forms R774C, R784C, R792C, R806C, R810C, R833C, R943C.
Identifiers: ClinVar variation 586328 (VCV000586328.12), dbSNP rs372400636, ClinGen allele CA4927546.

ClinVar aggregate classification (germline): Conflicting classifications of pathogenicity. Review status: criteria provided, conflicting classifications (1 of 4 stars). 5 submissions from 5 submitters: Uncertain significance (3); Likely benign (1). 1 of the submissions does not count toward it. Last evaluated 2025-08-19.

Conditions:
Inborn genetic diseases. Identifiers: MedGen C0950123, MeSH D030342.
Autosomal recessive limb-girdle muscular dystrophy type 2Q (LGMDR17). Also called: MUSCULAR DYSTROPHY, LIMB-GIRDLE, AUTOSOMAL RECESSIVE 17. Identifiers: Orphanet 254361, MedGen C3150989, MONDO:0013390, OMIM 613723.
Epidermolysis bullosa simplex 5B, with muscular dystrophy (EBS5B). Also called: EPIDERMOLYSIS BULLOSA SIMPLEX AND LIMB-GIRDLE MUSCULAR DYSTROPHY; Epidermolysis bullosa simplex with muscular dystrophy. Identifiers: Orphanet 257, MedGen C2931072, MONDO:0009181, OMIM 226670.
Epidermolysis bullosa simplex, Ogna type (EBS5A). Also called: Pidermolysis bullosa simplex 5A, Ogna type; EPIDERMOLYSIS BULLOSA SIMPLEX 5A, OGNA TYPE. Identifiers: Orphanet 79401, MedGen C0432317, MONDO:0007555, OMIM 131950.
Epidermolysis bullosa simplex 5C, with pyloric atresia (EBS5C). Also called: PLEC-Related Epidermolysis Bullosa with Pyloric Atresia; Epidermolysis bullosa simplex with pyloric atresia; PLEC1-Related Epidermolysis Bullosa with Pyloric Atresia. Identifiers: Orphanet 158684, MedGen C2677349, MONDO:0012807, OMIM 612138.
Epidermolysis bullosa simplex with nail dystrophy (EBS5D). Identifiers: MedGen C4225309, MONDO:0014661, OMIM 616487.

Allele frequency attached by ClinVar (database versions not stated): TOPMed 0.00005; gnomAD 0.00010.
gnomAD v4.1: 89 of 1,572,232 alleles (0.0057%); highest among the groups gnomAD compares: Non-Finnish European, 0.0022%; no homozygotes.

Submissions (5):

Labcorp Genetics (formerly Invitae), Labcorp
Classification: Uncertain significance for Autosomal recessive limb-girdle muscular dystrophy type 2Q; Epidermolysis bullosa simplex, Ogna type; Epidermolysis bullosa simplex with nail dystrophy; Epidermolysis bullosa simplex 5C, with pyloric atresia; Epidermolysis bullosa simplex 5B, with muscular dystrophy. Last evaluated: 2025-08-19. Review status: criteria provided, single submitter. Criteria: Invitae Variant Classification Sherloc (09022015). Collection method: clinical testing. Allele origin: germline.
Comment: This sequence change replaces arginine, which is basic and polar, with cysteine, which is neutral and slightly polar, at codon 833 of the PLEC protein (p.Arg833Cys). This variant is present in population databases (rs372400636, gnomAD 0.1%). This variant has not been reported in the literature in individuals affected with PLEC-related conditions. ClinVar contains an entry for this variant (Variation ID: 586328). Invitae Evidence Modeling of protein sequence and biophysical properties (such as structural, functional, and spatial information, amino acid conservation, physicochemical variation, residue mobility, and thermodynamic stability) indicates that this missense variant is not expected to disrupt PLEC protein function with a negative predictive value of 80%. In summary, the available evidence is currently insufficient to determine the role of this variant in disease. Therefore, it has been classified as a Variant of Uncertain Significance.

Ambry Genetics
Classification: Uncertain significance for Inborn genetic diseases. Last evaluated: 2024-03-21. Review status: criteria provided, single submitter. Criteria: Ambry Variant Classification Scheme 2023. Collection method: clinical testing. Allele origin: germline.

GeneDx
Classification: Likely benign. Last evaluated: 2021-05-03. Review status: criteria provided, single submitter. Criteria: GeneDx Variant Classification Process June 2021. Collection method: clinical testing. Allele origin: germline. Affected: yes.

Athena Diagnostics
Classification: Uncertain significance. Last evaluated: 2017-09-11. Review status: criteria provided, single submitter. Criteria: Athena Diagnostics Criteria. Collection method: clinical testing. Allele origin: germline.

Department of Pathology and Laboratory Medicine, Sinai Health System
Classification: Uncertain significance. Review status: no assertion criteria provided. Collection method: clinical testing. Allele origin: unknown. Affected: yes. Study: The Canadian Open Genetics Repository (COGR). Not counted in ClinVar's aggregate classification.
Comment: The PLEC p.Arg784Cys variant was not identified in the literature nor was it identified in LOVD 3.0. The variant was identified in dbSNP (ID: rs372400636) and ClinVar (classified as uncertain significance by Athena Diagnostics Inc). The variant was identified in control databases in 17 of 207026 chromosomes at a frequency of 0.00008212 (Genome Aggregation Database March 6, 2019, v2.1.1). The variant was observed in the following populations: Ashkenazi Jewish in 13 of 9030 chromosomes (freq: 0.00144), Other in 1 of 5802 chromosomes (freq: 0.000172) and European (non-Finnish) in 3 of 87866 chromosomes (freq: 0.000034), but was not observed in the African, Latino, East Asian, European (Finnish), or South Asian populations. The p.Arg784 residue is not conserved in mammals and computational analyses (PolyPhen-2, SIFT, AlignGVGD, BLOSUM, MutationTaster) provide inconsistent predictions regarding the impact to the protein; this information is not very predictive of pathogenicity. The variant occurs outside of the splicing consensus sequence and in silico or computational prediction software programs (SpliceSiteFinder, MaxEntScan, NNSPLICE, GeneSplicer) do not predict a difference in splicing. In summary, based on the above information the clinical significance of this variant cannot be determined with certainty at this time. This variant is classified as a variant of uncertain significance.